The following is an entry in ClinVar:

NM_205836.3(FBXO38):c.3137G>A (p.Arg1046His)

Gene: FBXO38 (F-box protein 38; plus strand). Cytogenetic location: 5q32.
Variant type: single nucleotide variant.
Coding change: c.3137G>A on transcript NM_205836.3 (MANE Select); coding-DNA position 3137, G replaced by A.
Protein change: p.Arg1046His; replaces arginine 1046 with histidine.
Molecular consequence: missense variant.
Genome position (GRCh38, 1-based): chr5:148,439,759, G>A. VCF-style: chr5-148439759-G-A. GRCh37 (hg19) VCF-style: chr5-147819322-G-A.
Other names: p.Arg971His; c.2402G>A, p.Arg801His (NM_001271723.2); c.2912G>A, p.Arg971His (NM_030793.5); short protein forms R1046H, R801H, R971H.
Identifiers: ClinVar variation 1693903 (VCV001693903.7), dbSNP rs145142109, ClinGen allele CA128956215.

ClinVar aggregate classification (germline): Uncertain significance. Review status: criteria provided, multiple submitters, no conflicts (2 of 4 stars). 2 submissions from 2 submitters: Uncertain significance (2). Last evaluated 2023-04-16.

Conditions:
Distal hereditary motor neuropathy type 2. Identifiers: Orphanet 139525, MedGen C3711384, MeSH C580044, MONDO:0015352.

Allele frequency attached by ClinVar (database versions not stated): gnomAD exomes below 0.00001; ESP Exome Variant Server 0.00015.
gnomAD v4.1: 2 of 1,613,988 alleles (0.00012%); highest among the groups gnomAD compares: Non-Finnish European, 0.000085%; no homozygotes.

Submissions (2):

Labcorp Genetics (formerly Invitae), Labcorp
Classification: Uncertain significance for Distal hereditary motor neuropathy type 2. Last evaluated: 2023-04-16. Review status: criteria provided, single submitter. Criteria: Invitae Variant Classification Sherloc (09022015). Collection method: clinical testing. Allele origin: germline.
Comment: In summary, the available evidence is currently insufficient to determine the role of this variant in disease. Therefore, it has been classified as a Variant of Uncertain Significance. An algorithm developed to predict the effect of missense changes on protein structure and function (PolyPhen-2) suggests that this variant is likely to be disruptive. ClinVar contains an entry for this variant (Variation ID: 1693903). This variant has not been reported in the literature in individuals affected with FBXO38-related conditions. The frequency data for this variant in the population databases is considered unreliable, as metrics indicate poor data quality at this position in the gnomAD database. This sequence change replaces arginine, which is basic and polar, with histidine, which is basic and polar, at codon 971 of the FBXO38 protein (p.Arg971His).

Mayo Clinic Laboratories, Mayo Clinic
Classification: Uncertain significance. Last evaluated: 2021-08-12. Review status: criteria provided, single submitter. Criteria: ACMG Guidelines, 2015. Collection method: clinical testing. Allele origin: germline.